The following is an entry in ClinVar:

NM_000271.5(NPC1):c.1947+12_1947+13insGGGT

Gene: NPC1 (NPC intracellular cholesterol transporter 1; minus strand). Cytogenetic location: 18q11.2.
Variant type: Insertion.
Coding change: c.1947+12_1947+13insGGGT on transcript NM_000271.5 (MANE Select); bases 12 to 13 of the intron after coding-DNA position 1947, GGGT inserted.
Molecular consequence: intron variant.
Genome position: GRCh38 VCF-style: chr18-23544947-C-CCCCA. GRCh37 (hg19) VCF-style: chr18-21124911-C-CCCCA.
Other names: c.1947+12_1947+13insTGGG (NM_000271.4).
Identifiers: ClinVar variation 1599376 (VCV001599376.10), dbSNP rs1555634656, ClinGen allele CA8913307.

ClinVar aggregate classification (germline): Benign. Review status: criteria provided, single submitter (1 of 4 stars). 2 submissions from 2 submitters: Benign (1). 1 of the submissions does not count toward it. Last evaluated 2026-01-26.

Conditions:
Niemann-Pick disease, type C1. Also called: NIEMANN-PICK DISEASE, VARIANT TYPE C1; NEUROVISCERAL STORAGE DISEASE WITH VERTICAL SUPRANUCLEAR OPHTHALMOPLEGIA; NIEMANN-PICK DISEASE WITH CHOLESTEROL ESTERIFICATION BLOCK; NIEMANN-PICK DISEASE WITHOUT SPHINGOMYELINASE DEFICIENCY; NIEMANN-PICK DISEASE, CHRONIC NEURONOPATHIC FORM. Identifiers: Orphanet 646, MedGen C3179455, MONDO:0009757, OMIM 257220.
NPC1-related disorder. Also called: NPC1-related condition.

Submissions (2):

Labcorp Genetics (formerly Invitae), Labcorp
Classification: Benign for Niemann-Pick disease, type C1. Last evaluated: 2026-01-26. Review status: criteria provided, single submitter. Criteria: Invitae Variant Classification Sherloc (09022015). Collection method: clinical testing. Allele origin: germline.

PreventionGenetics, part of Exact Sciences
Classification: Likely benign for NPC1-related condition. Last evaluated: 2021-03-04. Review status: no assertion criteria provided. Collection method: clinical testing. Allele origin: germline. Not counted in ClinVar's aggregate classification.
Comment: This variant is classified as likely benign based on ACMG/AMP sequence variant interpretation guidelines (Richards et al. 2015 PMID: 25741868, with internal and published modifications).